The following is an entry in ClinVar:

ClinVar aggregate classification (germline): Uncertain significance (1 of 4 stars; one submission).

Allele frequency attached by ClinVar (database versions not stated): gnomAD 0.00001; TOPMed 0.00001.

Submission:

Labcorp Genetics (formerly Invitae), Labcorp
Classification: Uncertain significance. Last evaluated: 2022-05-13. Review status: criteria provided, single submitter. Criteria: Invitae Variant Classification Sherloc (09022015). Collection method: clinical testing. Allele origin: germline.
Comment: This sequence change replaces glycine, which is neutral and non-polar, with cysteine, which is neutral and slightly polar, at codon 307 of the SOX11 protein (p.Gly307Cys). This variant is present in population databases (no rsID available, gnomAD 0.001%). This variant has not been reported in the literature in individuals affected with SOX11-related conditions. Algorithms developed to predict the effect of missense changes on protein structure and function are either unavailable or do not agree on the potential impact of this missense change (SIFT: "Deleterious"; PolyPhen-2: "Possibly Damaging"; Align-GVGD: "Class C0"). In summary, the available evidence is currently insufficient to determine the role of this variant in disease. Therefore, it has been classified as a Variant of Uncertain Significance.

NM_003108.4(SOX11):c.919G>T (p.Gly307Cys)

Gene: SOX11 (SRY-box transcription factor 11; plus strand). Cytogenetic location: 2p25.2.
Variant type: single nucleotide variant.
Coding change: c.919G>T on transcript NM_003108.4 (MANE Select); coding-DNA position 919, G replaced by T.
Protein change: p.Gly307Cys; replaces glycine 307 with cysteine.
Molecular consequence: missense variant.
Genome position (GRCh38, 1-based): chr2:5,693,640, G>T. VCF-style: chr2-5693640-G-T. GRCh37 (hg19) VCF-style: chr2-5833772-G-T.
Other names: short protein forms G307C.
Identifiers: ClinVar variation 1914558 (VCV001914558.5), dbSNP rs1180668384, ClinGen allele CA345867724.